The following is an entry in ClinVar:

NM_000095.3(COMP):c.1405GAC[6] (p.Asp473dup)

Gene: COMP (cartilage oligomeric matrix protein; minus strand). Cytogenetic location: 19p13.11.
Variant type: Microsatellite.
Coding change: c.1405GAC[6] on transcript NM_000095.3 (MANE Select); six copies in a row of the 3-base unit GAC starting at c.1405; the reference has five copies in a row; one copy, 3 bases duplicated; also written c.1417_1419dup.
Protein change: p.Asp473dup; duplicates aspartic acid 473.
Molecular consequence: inframe insertion.
Genome position (GRCh38, 1-based): chr19:18,786,035-18,786,037, GTC duplicated on the plus strand (GAC on the coding strand, the reverse complement: COMP is on the minus strand); duplicating any 3 consecutive bases within chr19:18,786,035-18,786,050 gives the same sequence; the position shown is the placement nearest the transcript's 3' end. VCF-style (leftmost placement, unchanged base first): chr19-18786034-T-TGTC. GRCh37 (hg19) VCF-style: chr19-18896844-T-TGTC.
Other names: Asp469dup; c.1417_1419dup (NM_000095.3).
Identifiers: ClinVar variation 9193 (VCV000009193.52), dbSNP rs193922900, ClinGen allele CA340879.

ClinVar aggregate classification (germline): Pathogenic/Likely pathogenic. Review status: criteria provided, multiple submitters, no conflicts (2 of 4 stars). 8 submissions from 7 submitters: Pathogenic (3); Likely pathogenic (2). 3 of the submissions do not count toward it. Last evaluated 2025-11-14.

Conditions:
Multiple epiphyseal dysplasia. Also called: Multiple epiphyseal dysplasia (disease). Identifiers: Orphanet 251, MedGen C0026760, MONDO:0016648, HP:0002654.
Multiple epiphyseal dysplasia type 1. Also called: COMP-Related Multiple Epiphyseal Dysplasia. Identifiers: Orphanet 93308, MedGen C1838280, MONDO:0007561, OMIM 132400.
Pseudoachondroplastic spondyloepiphyseal dysplasia syndrome (PSACH). Also called: Pseudoachondroplasia; PSEUDOACHONDROPLASTIC DYSPLASIA; COMP-Related Pseudoachondroplasia. Identifiers: Orphanet 750, MedGen C0410538, MONDO:0008322, OMIM 177170.

Submissions (8):

Institute of Human Genetics, University of Leipzig Medical Center
Classification: Pathogenic for Multiple epiphyseal dysplasia type 1. Last evaluated: 2025-11-14. Review status: criteria provided, single submitter. Criteria: ACMG Guidelines, 2015. Collection method: clinical testing. Allele origin: unknown. Inheritance: Autosomal dominant inheritance. Affected: yes.
Comment: Criteria applied: PM5_STR,PS2_MOD,PS4_MOD,PM2,PM1,PM4_SUP

3billion
Classification: Likely pathogenic for Multiple epiphyseal dysplasia type 1. Last evaluated: 2023-06-02. Review status: criteria provided, single submitter. Criteria: ACMG Guidelines, 2015. Collection method: clinical testing. Allele origin: germline. Affected: yes.
Comment: The variant is not observed in the gnomAD v2.1.1 dataset. Predicted Consequence/Location: Inframe insertion variant (GAC repeat expansion) The variant has been reported at least twice as pathogenic with clinical assertions and evidence for the classification (ClinVar ID: VCV000009193 /PMID: 9887340). Therefore, this variant is classified as Likely pathogenic according to the recommendation of ACMG/AMP guideline.

Labcorp Genetics (formerly Invitae), Labcorp
Classification: Likely pathogenic. Last evaluated: 2022-09-24. Review status: criteria provided, single submitter. Criteria: Invitae Variant Classification Sherloc (09022015). Collection method: clinical testing. Allele origin: germline.
Comment: This variant has been observed in individuals with multiple epiphyseal dysplasia (PMID: 9887340, 21922596; Invitae). It has also been observed to segregate with disease in related individuals. Experimental studies and prediction algorithms are not available or were not evaluated, and the functional significance of this variant is currently unknown. ClinVar contains an entry for this variant (Variation ID: 9193). This variant is not present in population databases (gnomAD no frequency). This variant, c.1417_1419dup, results in the insertion of 1 amino acid(s) of the COMP protein (p.Asp473dup), but otherwise preserves the integrity of the reading frame. In summary, the currently available evidence indicates that the variant is pathogenic, but additional data are needed to prove that conclusively. Therefore, this variant has been classified as Likely Pathogenic.

Mendelics
Classification: Pathogenic for Multiple epiphyseal dysplasia type 1. Last evaluated: 2022-05-04. Review status: criteria provided, single submitter. Criteria: Mendelics Assertion Criteria 2019. Collection method: clinical testing. Allele origin: germline.

CeGaT Center for Human Genetics Tuebingen
Classification: Pathogenic. Last evaluated: 2017-09-01. Review status: criteria provided, single submitter. Criteria: CeGaT Center For Human Genetics Tuebingen Variant Classification Criteria Version 2. Collection method: clinical testing. Allele origin: germline. Affected: yes. Observed: 1 variant allele.

OMIM
Classification: Pathogenic for EPIPHYSEAL DYSPLASIA, MULTIPLE, 1. Last evaluated: 1999-01-01. Review status: no assertion criteria provided. Collection method: literature only. Allele origin: germline. Not counted in ClinVar's aggregate classification.

GeneReviews
No classification provided. Condition: Pseudoachondroplastic spondyloepiphyseal dysplasia syndrome. Review status: no classification provided. Collection method: literature only. Allele origin: germline. Not counted in ClinVar's aggregate classification.

GeneReviews
No classification provided. Condition: Multiple epiphyseal dysplasia. Review status: no classification provided. Collection method: literature only. Allele origin: germline. Not counted in ClinVar's aggregate classification.

Literature cited by the submitters: PubMed 9887340 (cited by 3 submitters); PubMed 21922596 (cited by Labcorp Genetics (formerly Invitae), Labcorp); NCBI Bookshelf NBK1123 (cited by GeneReviews).